The following is an entry in ClinVar:

ClinVar aggregate classification (germline): Uncertain significance (1 of 4 stars; one submission).

Allele frequency attached by ClinVar (database versions not stated): TOPMed 0.00001.

Submission:

Labcorp Genetics (formerly Invitae), Labcorp
Classification: Uncertain significance. Last evaluated: 2023-09-10. Review status: criteria provided, single submitter. Criteria: Invitae Variant Classification Sherloc (09022015). Collection method: clinical testing. Allele origin: germline.
Comment: This variant is not present in population databases (gnomAD no frequency). In summary, the available evidence is currently insufficient to determine the role of this variant in disease. Therefore, it has been classified as a Variant of Uncertain Significance. Variants that disrupt the consensus splice site are a relatively common cause of aberrant splicing (PMID: 17576681, 9536098). Algorithms developed to predict the effect of sequence changes on RNA splicing suggest that this variant is not likely to affect RNA splicing. This variant has not been reported in the literature in individuals affected with MTOR-related conditions. This sequence change falls in intron 12 of the MTOR gene. It does not directly change the encoded amino acid sequence of the MTOR protein. It affects a nucleotide within the consensus splice site.

Literature cited by the submitters: PubMed 17576681; PubMed 9536098.

NM_004958.4(MTOR):c.2003-3C>T

Gene: MTOR (mechanistic target of rapamycin kinase; minus strand). Cytogenetic location: 1p36.22.
Variant type: single nucleotide variant.
Coding change: c.2003-3C>T on transcript NM_004958.4 (MANE Select); 3 bases into the intron before coding-DNA position 2003, C replaced by T.
Molecular consequence: intron variant.
Genome position (GRCh38, 1-based): chr1:11,238,051, G>A on the plus strand (C>T on the coding strand, the complement: MTOR is on the minus strand). VCF-style: chr1-11238051-G-A. GRCh37 (hg19) VCF-style: chr1-11298108-G-A.
Other names: c.755-3C>T (NM_001386501.1); c.2003-3C>T (NM_001386500.1).
Identifiers: ClinVar variation 2759483 (VCV002759483.3), dbSNP rs1647447057, ClinGen allele CA1153579297.